The following is an entry in ClinVar:

NM_004519.4(KCNQ3):c.421G>A (p.Val141Ile)

Gene: KCNQ3 (potassium voltage-gated channel subfamily Q member 3; minus strand). Cytogenetic location: 8q24.22.
Variant type: single nucleotide variant.
Coding change: c.421G>A on transcript NM_004519.4 (MANE Select); coding-DNA position 421, G replaced by A.
Protein change: p.Val141Ile; replaces valine 141 with isoleucine.
Molecular consequence: missense variant.
Genome position (GRCh38, 1-based): chr8:132,186,147, C>T on the plus strand (G>A on the coding strand, the complement: KCNQ3 is on the minus strand). VCF-style: chr8-132186147-C-T. GRCh37 (hg19) VCF-style: chr8-133198394-C-T.
Other names: c.61G>A, p.Val21Ile (NM_001204824.2); short protein forms V141I, V21I.
Identifiers: ClinVar variation 952875 (VCV000952875.10), dbSNP rs767730041, ClinGen allele CA186224619.
Genomic context (GRCh38, chr8:132,186,147, plus strand): 5'-TTACCAGTAACAGAAGCCAGTCTCCCGAGACAGTCTCATACTCCTTGAATGTGGTCAGGA[C>T]AGCCAGAATCAAGCACCCCAGGACAATCAGGAACCTAGAGGGGAAGAAAGAAATGGACTA-3'
Protein context (NP_004510.1, residues 131-151): LIVLGCLILA[Val141Ile]LTTFKEYETV

ClinVar aggregate classification (germline): Uncertain significance. Review status: criteria provided, multiple submitters, no conflicts (2 of 4 stars). 2 submissions from 2 submitters: Uncertain significance (2). Last evaluated 2023-06-15.

Conditions:
Benign neonatal seizures. Also called: Benign familial neonatal seizures; Benign familial neonatal epilepsy; Convulsions benign familial neonatal dominant form; Autosomal dominant form of benign neonatal seizures; Benign neonatal familial convulsions. Identifiers: Orphanet 1949, MedGen C0220669, MONDO:0016027.

Allele frequency attached by ClinVar (database versions not stated): gnomAD exomes 0.00001.
gnomAD v4.1: 19 of 1,613,872 alleles (0.0012%); highest among the groups gnomAD compares: Non-Finnish European, 0.0016%; no homozygotes.

Submissions (2):

GeneDx
Classification: Uncertain significance. Last evaluated: 2023-06-15. Review status: criteria provided, single submitter. Criteria: GeneDx Variant Classification Process June 2021. Collection method: clinical testing. Allele origin: germline. Affected: yes.
Comment: Not observed at significant frequency in large population cohorts (gnomAD); In silico analysis supports that this missense variant does not alter protein structure/function; Has not been previously published as pathogenic or benign to our knowledge

Labcorp Genetics (formerly Invitae), Labcorp
Classification: Uncertain significance for Benign neonatal seizures. Last evaluated: 2020-12-03. Review status: criteria provided, single submitter. Criteria: Invitae Variant Classification Sherloc (09022015). Collection method: clinical testing. Allele origin: germline.
Comment: This sequence change replaces valine with isoleucine at codon 141 of the KCNQ3 protein (p.Val141Ile). The valine residue is highly conserved and there is a small physicochemical difference between valine and isoleucine. In summary, the available evidence is currently insufficient to determine the role of this variant in disease. Therefore, it has been classified as a Variant of Uncertain Significance. Algorithms developed to predict the effect of missense changes on protein structure and function (SIFT, PolyPhen-2, Align-GVGD) all suggest that this variant is likely to be tolerated, but these predictions have not been confirmed by published functional studies and their clinical significance is uncertain. This variant has not been reported in the literature in individuals with KCNQ3-related conditions. This variant is not present in population databases (ExAC no frequency).